The following is an entry in ClinVar:

NM_000430.4(PAFAH1B1):c.118-11_118-7del

Gene: PAFAH1B1 (platelet activating factor acetylhydrolase 1b regulatory subunit 1; plus strand). Cytogenetic location: 17p13.3.
Variant type: Deletion.
Coding change: c.118-11_118-7del on transcript NM_000430.4 (MANE Select); 11 bases into the intron before coding-DNA position 118 through 7 bases into the intron before coding-DNA position 118, 5 bases deleted (ATTTT; older notation c.118-11_118-7delATTTT).
Molecular consequence: intron variant.
Genome position (GRCh38, 1-based): chr17:2,666,005-2,666,009, ATTTT deleted; deleting any 5 consecutive bases within chr17:2,666,002-2,666,009 gives the same sequence; the c. name uses the placement nearest the transcript's 3' end. VCF-style (leftmost placement, unchanged base first): chr17-2666001-ATTTAT-A. GRCh37 (hg19) VCF-style: chr17-2569295-ATTTAT-A.
Other names: c.118-14_118-10delTTTAT (NM_000430.3).
Identifiers: ClinVar variation 545514 (VCV000545514.4), dbSNP rs1555526298, ClinGen allele CA658823905.

ClinVar aggregate classification (germline): Pathogenic. Review status: criteria provided, single submitter (1 of 4 stars). 2 submissions from 2 submitters: Pathogenic (1). 1 of the submissions does not count toward it. Last evaluated 2024-03-01.

Conditions:
Lissencephaly due to LIS1 mutation (LIS1). Also called: Isolated Lissencephaly Sequence; PAFAH1B1-Associated Lissencephaly/Subcortical Band Heterotopia; PAFAH1B1-Related Lissencephaly/Subcortical Band Heterotopia. Identifiers: Orphanet 95232, MedGen C4749301, MONDO:0011830, OMIM 607432.

Submissions (2):

Labcorp Genetics (formerly Invitae), Labcorp
Classification: Pathogenic. Last evaluated: 2024-03-01. Review status: criteria provided, single submitter. Criteria: Invitae Variant Classification Sherloc (09022015). Collection method: clinical testing. Allele origin: germline.
Comment: This sequence change falls in intron 3 of the PAFAH1B1 gene. It does not directly change the encoded amino acid sequence of the PAFAH1B1 protein. RNA analysis indicates that this variant induces altered splicing and likely results in a shortened protein product. This variant is not present in population databases (gnomAD no frequency). This variant has been observed in individual(s) with lissencephaly (PMID: 9989616; Invitae). In at least one individual the variant was observed to be de novo. ClinVar contains an entry for this variant (Variation ID: 545514). Studies have shown that this variant results in skipping of exon 4, but is expected to preserve the integrity of the reading-frame (PMID: 9989616). For these reasons, this variant has been classified as Pathogenic.

Foundation for Research in Genetics and Endocrinology, FRIGE's Institute of Human Genetics
Classification: Uncertain significance for Lissencephaly due to LIS1 mutation. Last evaluated: 2017-02-11. Review status: no assertion criteria provided. Collection method: clinical testing. Allele origin: germline. Inheritance: Autosomal dominant inheritance. Affected: yes and no. Observed: 1 variant allele, 1 heterozygote. Not counted in ClinVar's aggregate classification.
Comment: The observed variant c.118-14_118-10delTTTAT (3' splice site proximal) is not reported in 1000 Genomes and ExAC databases. The in silico prediction tool like MutationTaster2 predicted this variant as benign. However, the observed variation has previously been reported in a patient affected with classical lissencephaly (Fogli et al., 1999)

Literature cited by the submitters: PubMed 9989616 (cited by Labcorp Genetics (formerly Invitae), Labcorp).